The following is an entry in ClinVar:

ClinVar aggregate classification (germline): Likely pathogenic (1 of 4 stars; one submission).

Conditions:
Myopathy caused by variation in FKTN. Identifiers: MedGen CN305638, MONDO:0700067.

Submission:

Myriad Genetics, Inc.
Classification: Likely pathogenic for Myopathy caused by variation in FKTN. Last evaluated: 2022-03-30. Review status: criteria provided, single submitter. Criteria: Myriad Autosomal Dominant, Autosomal Recessive and X-Linked Classification Criteria (2023). Collection method: clinical testing. Allele origin: unknown.
Comment: NM_001079802.1(FKTN):c.378delG(W126Cfs*4) is expected to be pathogenic in the context of FKTN-related disorders. This variant is predicted to lead to an abnormal or absent protein product due to the creation of a premature termination codon in FKTN, a gene where loss-of-function variants are known to be pathogenic. Please note: this variant was assessed in the context of healthy population screening.

NM_001079802.2(FKTN):c.378del (p.Trp126fs)

Gene: FKTN (fukutin; plus strand). Cytogenetic location: 9q31.2.
Variant type: Deletion.
Coding change: c.378del on transcript NM_001079802.2 (MANE Select); coding-DNA position 378, one base deleted (G; older notation c.378delG).
Protein change: p.Trp126fs; shifts the reading frame from tryptophan 126.
Molecular consequence: frameshift variant. On other transcripts: 5 prime UTR variant (4), non-coding transcript variant (2).
Genome position (GRCh38, 1-based): chr9:105,604,223, G deleted; the last of 2 consecutive G bases (chr9:105,604,222-105,604,223); deleting either gives the same sequence. VCF-style (leftmost placement, unchanged base first): chr9-105604221-TG-T. GRCh37 (hg19) VCF-style: chr9-108366502-TG-T.
Other names: c.378del, p.Trp126fs (NM_001198963.2, NM_001351496.2, NM_001351498.2 and 1 more transcripts); c.309del, p.Trp103fs (NM_001351497.2); c.-19del (NM_001351499.2, NM_001351500.2, NM_001351501.2 and 1 more transcripts); short protein forms W103fs, W126fs.
Identifiers: ClinVar variation 1725583 (VCV001725583.3), dbSNP rs2539402514, ClinGen allele CA2580079309.